The following is an entry in ClinVar:

ClinVar aggregate classification (germline): Pathogenic/Likely pathogenic. Review status: criteria provided, multiple submitters, no conflicts (2 of 4 stars). 11 submissions from 11 submitters: Pathogenic (4); Likely pathogenic (2). 5 of the submissions do not count toward it. Last evaluated 2026-03-18.

Conditions:
WDR19-related disorder. Also called: WDR19-related condition; WDR19-related disorders. Identifiers: MedGen CN380161.
Asphyxiating thoracic dystrophy 5 (SRTD5). Also called: SHORT-RIB THORACIC DYSPLASIA 5 WITH OR WITHOUT POLYDACTYLY; SHORT-RIB THORACIC DYSPLASIA 5 WITHOUT POLYDACTYLY. Identifiers: Orphanet 474, MedGen C3280598, MONDO:0013717, OMIM 614376.
Senior-Loken syndrome 8 (SLSN8). Identifiers: Orphanet 3156, MedGen C4225376, MONDO:0014579, OMIM 616307.
Connective tissue disorder. Also called: Connective tissue disease. Identifiers: MedGen C0009782, MONDO:0003900.
Jeune thoracic dystrophy. Also called: Infantile thoracic dystrophy; Thoracic pelvic phalangeal dystrophy; Jeune's syndrome; Chondroectodermal dysplasia-like syndrome; Short-rib thoracic dysplasia; Jeune syndrome. Identifiers: Orphanet 474, MedGen C0265275, MONDO:0018770.
Nephronophthisis 13 (NPHP13). Identifiers: Orphanet 655, MedGen C3280612, MONDO:0013718, OMIM 614377.

Allele frequency attached by ClinVar (database versions not stated): TOPMed 0.00002; gnomAD 0.00003 and 0.00004; gnomAD exomes 0.00003; ExAC 0.00005.
gnomAD v4.1: 172 of 1,599,740 alleles (0.011%); highest among the groups gnomAD compares: Non-Finnish European, 0.014%; no homozygotes.

Submissions (12):

PreventionGenetics, part of Exact Sciences
Classification: Pathogenic for WDR19-related condition. Last evaluated: 2026-03-18. Review status: criteria provided, single submitter. Criteria: ACMG Guidelines, 2015. Collection method: clinical testing. Allele origin: germline.
Comment: The WDR19 c.3565+1G>A variant is predicted to disrupt the GT donor site and interfere with normal splicing. This variant has been reported to be causative for autosomal recessive WDR19-related disease (for example see: Halbritter et al 2013. PubMed ID: 23559409; Table S2, Braun et al. 2016. PubMed ID: 26489029, Table S7, Groopman et al. 2018. PubMed ID: 30586318, Table S2, Zhang et al. 2017. PubMed ID: 29068549). This variant is reported in 0.0049% of alleles in individuals of European (Non-Finnish) descent in gnomAD. Variants that disrupt the consensus splice donor site in WDR19 are expected to be pathogenic. This variant is interpreted as pathogenic.

GeneDx
Classification: Pathogenic. Last evaluated: 2025-09-06. Review status: criteria provided, single submitter. Criteria: GeneDx Variant Classification Process June 2021. Collection method: clinical testing. Allele origin: germline. Affected: yes.
Comment: Reported previously in siblings with neonatal cholestasis resulting in end-stage liver disease who had another WDR19 variant; phase not established (PMID: 39163899); Canonical splice site variant predicted to result in a null allele in a gene for which loss of function is a known mechanism of disease; This variant is associated with the following publications: (PMID: 29121203, 23559409, 30586318, 26489029, 29068549, 38057357, 39163899, 40183892)

Labcorp Genetics (formerly Invitae), Labcorp
Classification: Pathogenic for Senior-Loken syndrome 8; Asphyxiating thoracic dystrophy 5. Last evaluated: 2025-09-02. Review status: criteria provided, single submitter. Criteria: Invitae Variant Classification Sherloc (09022015). Collection method: clinical testing. Allele origin: germline.
Comment: This sequence change affects a donor splice site in intron 32 of the WDR19 gene. It is expected to disrupt RNA splicing. Variants that disrupt the donor or acceptor splice site typically lead to a loss of protein function (PMID: 16199547), and loss-of-function variants in WDR19 are known to be pathogenic (PMID: 22019273, 23559409, 23683095, 26275793, 27241786, 29068549). The frequency data for this variant in the population databases is considered unreliable, as metrics indicate poor data quality at this position in the gnomAD database. Disruption of this splice site has been observed in individuals with ciliopathy disorders (PMID: 23559409, 29068549). ClinVar contains an entry for this variant (Variation ID: 127159). Algorithms developed to predict the effect of sequence changes on RNA splicing suggest that this variant may disrupt the consensus splice site. For these reasons, this variant has been classified as Pathogenic.

Blueprint Genetics
Classification: Likely pathogenic for WDR19-related disorders. Last evaluated: 2024-06-14. Review status: criteria provided, single submitter. Criteria: ACMG Guidelines, 2015. Collection method: clinical testing. Allele origin: germline. Affected: yes. Observed: 5 variant alleles.

Women's Health and Genetics/Laboratory Corporation of America, LabCorp
Classification: Pathogenic for Nephronophthisis 13. Last evaluated: 2021-11-15. Review status: criteria provided, single submitter. Criteria: LabCorp Variant Classification Summary - May 2015. Collection method: clinical testing. Allele origin: germline.
Comment: Variant summary: WDR19 c.3565+1G>A is located in a canonical splice-site and is predicted to affect mRNA splicing resulting in a significantly altered protein due to either exon skipping, shortening, or inclusion of intronic material. Several computational tools predict a significant impact on normal splicing: Four predict the variant abolishes the canonical 5' splicing donor site. However, these predictions have yet to be confirmed by functional studies. The variant allele was found at a frequency of 2.6e-05 in 227094 control chromosomes. c.3565+1G>A has been reported in the literature as a compound heterozygous genotype in comprehensively analyzed individuals with nephronophthisis-related ciliopathy and/or skeletal ciliopathies such as asphyxiating thoracic dystrophy (ATD) (example, Halbritter_2013, Braun_2016, Zhang_2018). These data indicate that the variant is likely to be associated with disease. To our knowledge, no experimental evidence demonstrating an impact on protein function has been reported. Three clinical diagnostic laboratories have submitted clinical-significance assessments for this variant to ClinVar after 2014 without evidence for independent evaluation. All laboratories classified the variant as pathogenic. Based on the evidence outlined above, the variant was classified as pathogenic.

Genome Diagnostics Laboratory, The Hospital for Sick Children
Classification: Likely pathogenic for Connective tissue disorder. Last evaluated: 2019-07-01. Review status: criteria provided, single submitter. Criteria: ACMG Guidelines, 2015. Collection method: clinical testing. Allele origin: germline.

Gharavi Laboratory, Columbia University
Classification: Pathogenic. Last evaluated: 2018-09-16. Review status: no assertion criteria provided. Criteria: ACMG Guidelines, 2015. Collection method: research. Allele origin: germline. Affected: yes. Not counted in ClinVar's aggregate classification.

Dan Cohn Lab, University Of California Los Angeles
Classification: Pathogenic for Asphyxiating thoracic dystrophy. Last evaluated: 2017-06-01. Review status: no assertion criteria provided. Collection method: research. Allele origin: unknown. Affected: yes. Not counted in ClinVar's aggregate classification.

OMIM
Classification: Pathogenic for SENIOR-LOKEN SYNDROME 8. Last evaluated: 2013-08-01. Review status: no assertion criteria provided. Collection method: literature only. Allele origin: germline. Not counted in ClinVar's aggregate classification.

Dr. Peter K. Rogan Lab, Western University
No classification provided (evidence only). Condition: Colon adenocarcinoma. Review status: no classification provided. Collection method: in vitro. Allele origin: not applicable. Functional consequence: retained intron. Not counted in ClinVar's aggregate classification.

Genomics And Bioinformatics Analysis Resource, Columbia University
Classification: Pathogenic for Senior-Loken syndrome 8. Review status: no assertion criteria provided. Collection method: research. Allele origin: unknown. Affected: yes. Not counted in ClinVar's aggregate classification.
Comment: Compound Heterozygous

University of Washington Center for Mendelian Genomics, University of Washington
Classification: Likely pathogenic for asphyxiating thoracic dystrophy. Review status: no assertion criteria provided. Collection method: research. Allele origin: inherited. Affected: yes. Not counted in ClinVar's aggregate classification.

Literature cited by the submitters: PubMed 16199547 (cited by Labcorp Genetics (formerly Invitae), Labcorp); PubMed 22019273 (cited by Labcorp Genetics (formerly Invitae), Labcorp); PubMed 23559409 (cited by 3 submitters); PubMed 23683095 (cited by Labcorp Genetics (formerly Invitae), Labcorp); PubMed 26275793 (cited by Labcorp Genetics (formerly Invitae), Labcorp); PubMed 27241786 (cited by Labcorp Genetics (formerly Invitae), Labcorp); PubMed 29068549 (cited by 4 submitters); PubMed 26489029 (cited by Women's Health and Genetics/Laboratory Corporation of America, LabCorp).

NM_025132.4(WDR19):c.3565+1G>A

Gene: WDR19 (WD repeat domain 19; plus strand). Cytogenetic location: 4p14.
Variant type: single nucleotide variant.
Coding change: c.3565+1G>A on transcript NM_025132.4 (MANE Select); the canonical splice donor site of the intron after coding-DNA position 3565, G replaced by A.
Molecular consequence: splice donor variant.
Genome position (GRCh38, 1-based): chr4:39,273,062, G>A. VCF-style: chr4-39273062-G-A. GRCh37 (hg19) VCF-style: chr4-39274682-G-A.
Other names: 3565+1G-A; c.3085+1G>A (NM_001317924.2).
Identifiers: ClinVar variation 127159 (VCV000127159.21), dbSNP rs587777352, ClinGen allele CA151414.
Genomic context (GRCh38, chr4:39,273,062, plus strand): 5'-ACATGAAAGGGGCTCGCATGCTCATTCGGGTGGCCAACAACATCAGCAAATTTCCATCAC[G>A]TAAGTACCACTGACCAGAGCTCTCACCCATGCCCCATGCCCCATGCCGCATGCTAGCCCA-3'